The following is an entry in ClinVar:

ClinVar aggregate classification (germline): Pathogenic (0 of 4 stars; one submission).

Conditions:
Optic atrophy. Identifiers: MedGen C0029124, MONDO:0003608, HP:0000648.
Myoclonus. Also called: Involuntary jerking movements; Myoclonic jerks. Identifiers: MedGen C0027066, HP:0001336.
Chorea. Also called: Choreatic disease; Choreiform movements. Identifiers: Orphanet 1429, MedGen C0008489, MONDO:0001595, HP:0002072.
Spasticity. Identifiers: MedGen C0026838, HP:0001257.
Cerebellar ataxia. Identifiers: Orphanet 102002, MedGen C0007758, MONDO:0000437.

Submission:

Neurogenetics, IRCCS Istituto delle Scienze Neurologiche di Bologna
Classification: Pathogenic for Optic atrophy; Ataxia; Spasticity; Myoclonus; Chorea. Review status: no assertion criteria provided. Collection method: research, in vitro. Allele origin: germline. Affected: yes. Observed: 1 variant allele.
Comment: Optic Atrophy 12, OPA12

Literature cited by the submitters: PubMed 32219868.

NM_006796.3(AFG3L2):c.[1385C>T;1858C>A]

Variant type: Haplotype.
Identifiers: ClinVar variation 973107 (VCV000973107.2).